The following is an entry in ClinVar:

ClinVar aggregate classification (germline): Pathogenic. Review status: criteria provided, multiple submitters, no conflicts (2 of 4 stars). 4 submissions from 4 submitters: Pathogenic (4). Last evaluated 2025-06-10.

Conditions:
Hereditary cancer-predisposing syndrome. Also called: Hereditary Cancer Syndrome; Tumor predisposition; Neoplastic Syndromes, Hereditary; Hereditary neoplastic syndrome. Identifiers: Orphanet 140162, MedGen C0027672, MeSH D009386, MONDO:0015356.
Familial cancer of breast. Also called: Hereditary breast cancer; BREAST CANCER, FAMILIAL; hereditary breast carcinoma. Identifiers: Orphanet 227535, MedGen C0346153, MONDO:0016419, OMIM 114480. Disease mechanism: loss of function.
Fanconi anemia complementation group J. Also called: BRIP1-Related Fanconi Anemia. Identifiers: Orphanet 84, MedGen C1836860, MONDO:0012187, OMIM 609054.

Allele frequency attached by ClinVar (database versions not stated): TOPMed below 0.00001.

Submissions (4):

Ambry Genetics
Classification: Pathogenic for Hereditary cancer-predisposing syndrome. Last evaluated: 2025-06-10. Review status: criteria provided, single submitter. Criteria: Ambry Variant Classification Scheme 2023. Collection method: clinical testing. Allele origin: germline.
Comment: The p.W63* pathogenic mutation (also known as c.189G>A), located in coding exon 2 of the BRIP1 gene, results from a G to A substitution at nucleotide position 189. This changes the amino acid from a tryptophan to a stop codon within coding exon 2. This variant is considered to be rare based on population cohorts in the Genome Aggregation Database (gnomAD). This alteration is expected to result in loss of function by premature protein truncation or nonsense-mediated mRNA decay. As such, this alteration is interpreted as a disease-causing mutation.

Myriad Genetics, Inc.
Classification: Pathogenic for Familial cancer of breast. Last evaluated: 2023-12-19. Review status: criteria provided, single submitter. Criteria: Myriad Autosomal Dominant, Autosomal Recessive and X-Linked Classification Criteria (2023). Collection method: clinical testing. Allele origin: unknown.
Comment: This variant is considered pathogenic. This variant creates a termination codon and is predicted to result in premature protein truncation.

Labcorp Genetics (formerly Invitae), Labcorp
Classification: Pathogenic for Familial cancer of breast; Fanconi anemia complementation group J. Last evaluated: 2022-12-25. Review status: criteria provided, single submitter. Criteria: Invitae Variant Classification Sherloc (09022015). Collection method: clinical testing. Allele origin: germline.
Comment: This sequence change creates a premature translational stop signal (p.Trp63*) in the BRIP1 gene. It is expected to result in an absent or disrupted protein product. Loss-of-function variants in BRIP1 are known to be pathogenic (PMID: 16116423, 17033622, 21964575). This variant is not present in population databases (gnomAD no frequency). This variant has not been reported in the literature in individuals affected with BRIP1-related conditions. ClinVar contains an entry for this variant (Variation ID: 820265). For these reasons, this variant has been classified as Pathogenic.

Juno Genomics, Hangzhou Juno Genomics, Inc
Classification: Pathogenic for Familial cancer of breast. Review status: criteria provided, single submitter. Criteria: ACMG Guidelines, 2015. Collection method: clinical testing. Allele origin: germline.
Comment: Null variant in a gene where loss of function (LOF) is a known mechanism of disease.;Absent from controls (or at extremely low frequency if recessive) in Genome Aggregation Database.;Patient's phenotype or family history is highly specific for a disease with a single genetic etiology.

Literature cited by the submitters: PubMed 16116423 (cited by Labcorp Genetics (formerly Invitae), Labcorp); PubMed 17033622 (cited by Labcorp Genetics (formerly Invitae), Labcorp); PubMed 21964575 (cited by Labcorp Genetics (formerly Invitae), Labcorp).

NM_032043.3(BRIP1):c.189G>A (p.Trp63Ter)

Gene: BRIP1 (BRCA1 interacting DNA helicase 1; minus strand). Cytogenetic location: 17q23.2.
Variant type: single nucleotide variant.
Coding change: c.189G>A on transcript NM_032043.3 (MANE Select); coding-DNA position 189, G replaced by A.
Protein change: p.Trp63Ter; replaces tryptophan 63 with a stop codon.
Molecular consequence: nonsense.
Genome position (GRCh38, 1-based): chr17:61,859,812, C>T on the plus strand (G>A on the coding strand, the complement: BRIP1 is on the minus strand). VCF-style: chr17-61859812-C-T. GRCh37 (hg19) VCF-style: chr17-59937173-C-T.
Other names: short protein forms W63*.
Identifiers: ClinVar variation 820265 (VCV000820265.16), dbSNP rs1603367647, ClinGen allele CA400485679.